The following is an entry in ClinVar:

NM_003659.4(AGPS):c.1378C>T (p.Pro460Ser)

Gene: AGPS (alkylglycerone phosphate synthase; plus strand). Cytogenetic location: 2q31.2.
Variant type: single nucleotide variant.
Coding change: c.1378C>T on transcript NM_003659.4 (MANE Select); coding-DNA position 1378, C replaced by T.
Protein change: p.Pro460Ser; replaces proline 460 with serine.
Molecular consequence: missense variant.
Genome position (GRCh38, 1-based): chr2:177,499,633, C>T. VCF-style: chr2-177499633-C-T. GRCh37 (hg19) VCF-style: chr2-178364361-C-T.
Other names: c.1378C>T (NM_003659.3); short protein forms P460S.
Identifiers: ClinVar variation 2141120 (VCV002141120.2), dbSNP rs761526892, ClinGen allele CA1980322.
Genomic context (GRCh38, chr2:177,499,633, plus strand): 5'-TAGGATAAGACTTATCTGTAATAATAAATTTTTTTTTTTTTGTAGTTTAAAGGATTTGAC[C>T]CAAATCAGCTAAGTGTAGCCACATTACTGTTTGAGGGGGATCGTGAGAAGGTTCTTCAAC-3'
Protein context (NP_003650.1, residues 450-470): FYITKFKGFD[Pro460Ser]NQLSVATLLF

ClinVar aggregate classification (germline): Uncertain significance. Review status: criteria provided, multiple submitters, no conflicts (2 of 4 stars). 2 submissions from 2 submitters: Uncertain significance (2). Last evaluated 2022-10-31.

Conditions:
Inborn genetic diseases. Identifiers: MedGen C0950123, MeSH D030342.

Allele frequency attached by ClinVar (database versions not stated): ExAC 0.00002; gnomAD 0.00003.

Submissions (2):

Ambry Genetics
Classification: Uncertain significance for Inborn genetic diseases. Last evaluated: 2022-10-31. Review status: criteria provided, single submitter. Criteria: Ambry Variant Classification Scheme 2023. Collection method: clinical testing. Allele origin: germline.

Labcorp Genetics (formerly Invitae), Labcorp
Classification: Uncertain significance. Last evaluated: 2022-02-28. Review status: criteria provided, single submitter. Criteria: Invitae Variant Classification Sherloc (09022015). Collection method: clinical testing. Allele origin: germline.
Comment: This sequence change replaces proline, which is neutral and non-polar, with serine, which is neutral and polar, at codon 460 of the AGPS protein (p.Pro460Ser). This variant is present in population databases (rs761526892, gnomAD 0.02%). This variant has not been reported in the literature in individuals affected with AGPS-related conditions. Algorithms developed to predict the effect of missense changes on protein structure and function (SIFT, PolyPhen-2, Align-GVGD) all suggest that this variant is likely to be tolerated. In summary, the available evidence is currently insufficient to determine the role of this variant in disease. Therefore, it has been classified as a Variant of Uncertain Significance.